The following is an entry in ClinVar:

NM_002458.3(MUC5B):c.11066C>T (p.Thr3689Met)

Genes: MUC5B (mucin 5B, oligomeric mucus/gel-forming; plus strand), MUC5B-AS1 (MUC5B antisense RNA 1; minus strand). Cytogenetic location: 11p15.5.
Variant type: single nucleotide variant.
Coding change: c.11066C>T on transcript NM_002458.3 (MANE Select); coding-DNA position 11066, C replaced by T.
Protein change: p.Thr3689Met; replaces threonine 3689 with methionine.
Molecular consequence: missense variant.
Genome position (GRCh38, 1-based): chr11:1,247,946, C>T. VCF-style: chr11-1247946-C-T. GRCh37 (hg19) VCF-style: chr11-1269176-C-T.
Other names: short protein forms T3689M.
Identifiers: ClinVar variation 2672437 (VCV002672437.23), dbSNP rs199590922, ClinGen allele CA5807522.

ClinVar aggregate classification (germline): Likely benign (1 of 4 stars; one submission).

Allele frequency attached by ClinVar (database versions not stated): ExAC 0.00024; TOPMed 0.00024; gnomAD 0.00026; 1000 Genomes Project 30x 0.00031; 1000 Genomes Project 0.00040.
gnomAD v4.1: 293 of 1,611,402 alleles (0.018%); highest among the groups gnomAD compares: East Asian, 0.058%; 7 homozygotes.

Submission:

CeGaT Center for Human Genetics Tuebingen
Classification: Likely benign. Last evaluated: 2024-07-01. Review status: criteria provided, single submitter. Criteria: CeGaT Center For Human Genetics Tuebingen Variant Classification Criteria Version 2. Collection method: clinical testing. Allele origin: germline. Affected: yes. Observed: 2 variant alleles.
Comment: MUC5B: BP4, BS1